The following is an entry in ClinVar:

NM_000414.4(HSD17B4):c.743G>T (p.Arg248Leu)

Gene: HSD17B4 (hydroxysteroid 17-beta dehydrogenase 4; plus strand). Cytogenetic location: 5q23.1.
Variant type: single nucleotide variant.
Coding change: c.743G>T on transcript NM_000414.4 (MANE Select); coding-DNA position 743, G replaced by T.
Protein change: p.Arg248Leu; replaces arginine 248 with leucine.
Molecular consequence: missense variant. On other transcripts: non-coding transcript variant (2).
Genome position (GRCh38, 1-based): chr5:119,493,821, G>T. VCF-style: chr5-119493821-G-T. GRCh37 (hg19) VCF-style: chr5-118829516-G-T.
Other names: c.818G>T, p.Arg273Leu (NM_001199291.3); c.689G>T, p.Arg230Leu (NM_001199292.2); c.671G>T, p.Arg224Leu (NM_001292027.2); c.323G>T, p.Arg108Leu (NM_001292028.2); c.734G>T, p.Arg245Leu (NM_001374497.1); c.743G>T, p.Arg248Leu (NM_001374498.1); c.416G>T, p.Arg139Leu (NM_001374499.1); c.302G>T, p.Arg101Leu (NM_001374500.1); and 2 more; short protein forms R139L, R230L, R273L, R224L, R101L, R108L, R111L, R245L.
Identifiers: ClinVar variation 1902544 (VCV001902544.6), dbSNP rs748057401, ClinGen allele CA360867151.

ClinVar aggregate classification (germline): Likely pathogenic. Review status: criteria provided, single submitter (1 of 4 stars). 2 submissions from 2 submitters: Likely pathogenic (1). 1 of the submissions does not count toward it. Last evaluated 2026-01-26.

Conditions:
Bifunctional peroxisomal enzyme deficiency (DBIF). Also called: DBP DEFICIENCY; PBFE DEFICIENCY; D-bifunctional protein deficiency. Identifiers: Orphanet 300, MedGen C0342870, MONDO:0009855, OMIM 261515. Disease mechanism: loss of function.
Perrault syndrome. Also called: Gonadal dysgenesis with auditory dysfunction, autosomal recessive inheritance. Identifiers: Orphanet 2855, MedGen C0685838, MONDO:0017312.

Submissions (2):

Labcorp Genetics (formerly Invitae), Labcorp
Classification: Likely pathogenic for Perrault syndrome; Bifunctional peroxisomal enzyme deficiency. Last evaluated: 2026-01-26. Review status: criteria provided, single submitter. Criteria: Invitae Variant Classification Sherloc (09022015). Collection method: clinical testing. Allele origin: germline.
Comment: This sequence change replaces arginine, which is basic and polar, with leucine, which is neutral and non-polar, at codon 248 of the HSD17B4 protein (p.Arg248Leu). This variant is not present in population databases (gnomAD no frequency). This variant has not been reported in the literature in individuals affected with HSD17B4-related conditions. ClinVar contains an entry for this variant (Variation ID: 1902544). Invitae Evidence Modeling of protein sequence and biophysical properties (such as structural, functional, and spatial information, amino acid conservation, physicochemical variation, residue mobility, and thermodynamic stability) indicates that this missense variant is expected to disrupt HSD17B4 protein function with a positive predictive value of 95%. This variant disrupts the p.Arg248 amino acid residue in HSD17B4. Other variant(s) that disrupt this residue have been determined to be pathogenic (PMID: 16385454, 23308274, 27528516). This suggests that this residue is clinically significant, and that variants that disrupt this residue are likely to be disease-causing. In summary, the currently available evidence indicates that the variant is pathogenic, but additional data are needed to prove that conclusively. Therefore, this variant has been classified as Likely Pathogenic.

Natera, Inc.
Classification: Uncertain significance for Bifunctional peroxisomal enzyme deficiency. Last evaluated: 2025-05-14. Review status: no assertion criteria provided. Collection method: clinical testing. Allele origin: germline. Not counted in ClinVar's aggregate classification.

Literature cited by the submitters: PubMed 16385454 (cited by Labcorp Genetics (formerly Invitae), Labcorp); PubMed 23308274 (cited by Labcorp Genetics (formerly Invitae), Labcorp); PubMed 27528516 (cited by Labcorp Genetics (formerly Invitae), Labcorp).